The following is an entry in ClinVar:

ClinVar aggregate classification (germline): Conflicting classifications of pathogenicity. Review status: criteria provided, conflicting classifications (1 of 4 stars). 2 submissions from 2 submitters: Uncertain significance (1); Likely benign (1). Last evaluated 2025-01-15.

gnomAD v4.1: 2 of 1,579,790 alleles (0.00013%); highest among the groups gnomAD compares: Admixed American, 0.0035%; no homozygotes.

Submissions (2):

Labcorp Genetics (formerly Invitae), Labcorp
Classification: Uncertain significance. Last evaluated: 2025-01-15. Review status: criteria provided, single submitter. Criteria: Invitae Variant Classification Sherloc (09022015). Collection method: clinical testing. Allele origin: germline.
Comment: This sequence change falls in intron 20 of the CDH23 gene. It does not directly change the encoded amino acid sequence of the CDH23 protein. It affects a nucleotide within the consensus splice site. This variant is present in population databases (no rsID available, gnomAD 0.007%). This variant has not been reported in the literature in individuals affected with CDH23-related conditions. ClinVar contains an entry for this variant (Variation ID: 514909). Variants that disrupt the consensus splice site are a relatively common cause of aberrant splicing (PMID: 17576681, 9536098). Algorithms developed to predict the effect of sequence changes on RNA splicing suggest that this variant is not likely to affect RNA splicing. In summary, the available evidence is currently insufficient to determine the role of this variant in disease. Therefore, it has been classified as a Variant of Uncertain Significance.

GeneDx
Classification: Likely benign. Last evaluated: 2018-01-22. Review status: criteria provided, single submitter. Criteria: GeneDx Variant Classification (06012015). Collection method: clinical testing. Allele origin: germline. Affected: yes.
Comment: This variant is considered likely benign or benign based on one or more of the following criteria: it is a conservative change, it occurs at a poorly conserved position in the protein, it is predicted to be benign by multiple in silico algorithms, and/or has population frequency not consistent with disease.

Literature cited by the submitters: PubMed 17576681 (cited by Labcorp Genetics (formerly Invitae), Labcorp); PubMed 9536098 (cited by Labcorp Genetics (formerly Invitae), Labcorp).

NM_022124.6(CDH23):c.2176+3G>T

Gene: CDH23 (cadherin related 23; plus strand). Cytogenetic location: 10q22.1.
Variant type: single nucleotide variant.
Coding change: c.2176+3G>T on transcript NM_022124.6 (MANE Select); 3 bases into the intron after coding-DNA position 2176, G replaced by T.
Molecular consequence: intron variant.
Genome position (GRCh38, 1-based): chr10:71,690,587, G>T. VCF-style: chr10-71690587-G-T. GRCh37 (hg19) VCF-style: chr10-73450344-G-T.
Other names: c.2176+3G>T (NM_001171930.2, NM_001171931.2).
Identifiers: ClinVar variation 514909 (VCV000514909.3), dbSNP rs369606279, ClinGen allele CA594315317.